The following is an entry in ClinVar:

ClinVar aggregate classification (germline): Pathogenic. Review status: reviewed by expert panel (3 of 4 stars). 2 submissions from 2 submitters: Pathogenic (1). 1 of the submissions does not count toward it. Last evaluated 2023-08-04.

Conditions:
CDH1-related diffuse gastric and lobular breast cancer syndrome. Also called: CDH1-related diffuse gastric and lobular breast cancer. Identifiers: MedGen CN311521, MONDO:0100488.

Submissions (2):

Clingen Gastric Cancer Variant Curation Expert Panel
Classification: Pathogenic for CDH1-related diffuse gastric and lobular breast cancer syndrome. Last evaluated: 2023-08-04. Review status: reviewed by expert panel. Criteria: ClinGen CDH1 ACMG Specifications V3.1. Collection method: curation. Allele origin: germline. Inheritance: Autosomal dominant inheritance.
Comment: The c.707C>A (p.Ser236Ter) variant is predicted to result in a premature stop codon that leads to nonsense mediate decay (PVS1 and PM5_supporting). The variant is absent in the gnomAD cohort (PM2_supporting). Therefore, this variant meets criteria to be classified as pathogenic based on the ACMG/AMP criteria applied as specified by the CDH1 Variant Curation Expert Panel (CDH1 VCEP specifications version 3.1): PVS1, PM2_supporting, PM5_supporting.

GeneDx
Classification: Pathogenic. Last evaluated: 2014-04-19. Review status: criteria provided, single submitter. Criteria: GeneDx Variant Classification (06012015). Collection method: clinical testing. Allele origin: germline. Affected: yes. Not counted in ClinVar's aggregate classification.
Comment: This pathogenic variant is denoted CDH1 c.707C>A at the cDNA level and p.Ser236Ter (S236X) at the protein level. The substitution creates a nonsense variant, changing a Serine to a premature stop codon (TCA>TAA). This variant is predicted to cause loss of normal protein function through either protein truncation or nonsense-mediated mRNA decay. Although this variant has not been previously reported to our knowledge, it is considered pathogenic.

NM_004360.5(CDH1):c.707C>A (p.Ser236Ter)

Gene: CDH1 (cadherin 1; plus strand). Cytogenetic location: 16q22.1.
Variant type: single nucleotide variant.
Coding change: c.707C>A on transcript NM_004360.5 (MANE Select); coding-DNA position 707, C replaced by A.
Protein change: p.Ser236Ter; replaces serine 236 with a stop codon.
Molecular consequence: nonsense. On other transcripts: 5 prime UTR variant (2).
Genome position (GRCh38, 1-based): chr16:68,810,216, C>A. VCF-style: chr16-68810216-C-A. GRCh37 (hg19) VCF-style: chr16-68844119-C-A.
Other names: p.S236*:TCA>TAA; c.707C>A (LRG_301t1); c.707C>A, p.Ser236Ter (NM_001317184.2); c.-909C>A (NM_001317185.2); c.-1113C>A (NM_001317186.2); short protein forms S236*.
Identifiers: ClinVar variation 182393 (VCV000182393.4), dbSNP rs730881663, ClinGen allele CA298974.
Genomic context (GRCh38, chr16:68,810,216, plus strand): 5'-TCCTCATCAGAGCTCAAGTCACCCTCACTTGGTTCTTTCAGCTCTTCTCTCACGCTGTGT[C>A]ATCCAACGGGAATGCAGTTGAGGATCCAATGGAGATTTTGATCACGGTAACCGATCAGAA-3'